The following is an entry in ClinVar:

NM_001042750.2(STAG2):c.1535-12_1535-3del

Gene: STAG2 (STAG2 cohesin complex component; plus strand). Cytogenetic location: Xq25.
Variant type: Deletion.
Coding change: c.1535-12_1535-3del on transcript NM_001042750.2 (MANE Select); 12 bases into the intron before coding-DNA position 1535 through 3 bases into the intron before coding-DNA position 1535, 10 bases deleted (TTTTTTTTTT; older notation c.1535-12_1535-3delTTTTTTTTTT).
Molecular consequence: intron variant.
Genome position (GRCh38, 1-based): chrX:124,061,759-124,061,768, TTTTTTTTTT deleted; deleting any 10 consecutive bases within chrX:124,061,744-124,061,768 gives the same sequence; the c. name uses the placement nearest the transcript's 3' end. VCF-style (leftmost placement, unchanged base first): chrX-124061743-CTTTTTTTTTT-C. GRCh37 (hg19) VCF-style: chrX-123195593-CTTTTTTTTTT-C.
Other names: c.1535-12_1535-3del10 (NM_001042749.1, NM_001042749.2); c.1535-12_1535-3del (NM_001042749.2, NM_001375366.1, NM_001375373.1 and 13 more transcripts).
Identifiers: ClinVar variation 1637301 (VCV001637301.12), dbSNP rs36097834, ClinGen allele CA10508823.

ClinVar aggregate classification (germline): Benign/Likely benign. Review status: criteria provided, multiple submitters, no conflicts (2 of 4 stars). 4 submissions from 4 submitters: Benign (1); Likely benign (2). 1 of the submissions does not count toward it. Last evaluated 2026-01-09.

Conditions:
STAG2-related disorder. Also called: STAG2-Related Disorders.
Inborn genetic diseases. Identifiers: MedGen C0950123, MeSH D030342.

Submissions (4):

Labcorp Genetics (formerly Invitae), Labcorp
Classification: Benign. Last evaluated: 2026-01-09. Review status: criteria provided, single submitter. Criteria: Invitae Variant Classification Sherloc (09022015). Collection method: clinical testing. Allele origin: germline.

Ambry Genetics
Classification: Likely benign for Inborn genetic diseases. Last evaluated: 2025-04-25. Review status: criteria provided, single submitter. Criteria: Ambry Variant Classification Scheme 2023. Collection method: clinical testing. Allele origin: germline.

Blueprint Genetics
Classification: Likely benign. Last evaluated: 2024-11-26. Review status: criteria provided, single submitter. Criteria: ACMG Guidelines, 2015. Collection method: clinical testing. Allele origin: germline.

PreventionGenetics, part of Exact Sciences
Classification: Likely benign for STAG2-related condition. Last evaluated: 2019-08-09. Review status: no assertion criteria provided. Collection method: clinical testing. Allele origin: germline. Not counted in ClinVar's aggregate classification.
Comment: This variant is classified as likely benign based on ACMG/AMP sequence variant interpretation guidelines (Richards et al. 2015 PMID: 25741868, with internal and published modifications).